The following is an entry in ClinVar:

NM_006494.4(ERF):c.1535A>G (p.Lys512Arg)

Gene: ERF (ETS2 repressor factor; minus strand). Cytogenetic location: 19q13.2.
Variant type: single nucleotide variant.
Coding change: c.1535A>G on transcript NM_006494.4 (MANE Select); coding-DNA position 1535, A replaced by G.
Protein change: p.Lys512Arg; replaces lysine 512 with arginine.
Molecular consequence: missense variant.
Genome position (GRCh38, 1-based): chr19:42,248,577, T>C on the plus strand (A>G on the coding strand, the complement: ERF is on the minus strand). VCF-style: chr19-42248577-T-C. GRCh37 (hg19) VCF-style: chr19-42752729-T-C.
Other names: c.1310A>G, p.Lys437Arg (NM_001301035.2, NM_001308402.2, NM_001312656.2); short protein forms K437R, K512R.
Identifiers: ClinVar variation 3052000 (VCV003052000.2), dbSNP rs2036373009, ClinGen allele CA406104028.
Genomic context (GRCh38, chr19:42,248,577, plus strand): 5'-GAGCTCACCCGCCTTGGGGTGAGGGGCCCCCCAGCCTCCCCAGGCCCCTCCCCACGCACC[T>C]TCTTGTCCTCACCCTCATCCTCAAAGCCCCCAGCGGGGCCCCCACCCCCTTCGAGGCGAC-3'
Protein context (NP_006485.2, residues 502-522): GGFEDEGEDK[Lys512Arg]VRGEGPGEAG

ClinVar aggregate classification (germline): Uncertain significance (0 of 4 stars; one submission).

Conditions:
ERF-related disorder. Also called: ERF-related disorders; ERF-related condition.

Allele frequency attached by ClinVar (database versions not stated): gnomAD exomes below 0.00001; gnomAD 0.00001; TOPMed 0.00001.
gnomAD v4.1: 5 of 1,581,284 alleles (0.00032%); highest among the groups gnomAD compares: Admixed American, 0.0018%; no homozygotes.

Submission:

PreventionGenetics, part of Exact Sciences
Classification: Uncertain significance for ERF-related condition. Last evaluated: 2023-10-31. Review status: no assertion criteria provided. Collection method: clinical testing. Allele origin: germline.
Comment: The ERF c.1535A>G variant is predicted to result in the amino acid substitution p.Lys512Arg. To our knowledge, this variant has not been reported in the literature or in a large population database, indicating this variant is rare. At this time, the clinical significance of this variant is uncertain due to the absence of conclusive functional and genetic evidence.